The following is an entry in ClinVar:

ClinVar aggregate classification (germline): Benign/Likely benign. Review status: criteria provided, multiple submitters, no conflicts (2 of 4 stars). 3 submissions from 3 submitters: Benign (1); Likely benign (1). 1 of the submissions does not count toward it. Last evaluated 2025-12-19.

Conditions:
DLX5-related disorder. Also called: DLX5-related condition.

Allele frequency attached by ClinVar (database versions not stated): 1000 Genomes Project 30x 0.00078; 1000 Genomes Project 0.00080; ExAC 0.00211; gnomAD exomes 0.00218 and 0.00390; gnomAD 0.00238 and 0.00301; ESP Exome Variant Server 0.00246; TOPMed 0.00310.

Submissions (3):

Labcorp Genetics (formerly Invitae), Labcorp
Classification: Benign. Last evaluated: 2025-12-19. Review status: criteria provided, single submitter. Criteria: Invitae Variant Classification Sherloc (09022015). Collection method: clinical testing. Allele origin: germline.

Blueprint Genetics
Classification: Likely benign. Last evaluated: 2024-11-18. Review status: criteria provided, single submitter. Criteria: ACMG Guidelines, 2015. Collection method: clinical testing. Allele origin: germline.

PreventionGenetics, part of Exact Sciences
Classification: Likely benign for DLX5-related condition. Last evaluated: 2024-04-24. Review status: no assertion criteria provided. Collection method: clinical testing. Allele origin: germline. Not counted in ClinVar's aggregate classification.
Comment: This variant is classified as likely benign based on ACMG/AMP sequence variant interpretation guidelines (Richards et al. 2015 PMID: 25741868, with internal and published modifications).

NM_005221.6(DLX5):c.541-10C>T

Genes: DLX5 (distal-less homeobox 5; minus strand), LOC126860116 (CDK7 strongly-dependent group 2 enhancer GRCh37_chr7:96650255-96651454; plus strand). Cytogenetic location: 7q21.3.
Variant type: single nucleotide variant.
Coding change: c.541-10C>T on transcript NM_005221.6 (MANE Select); 10 bases into the intron before coding-DNA position 541, C replaced by T.
Molecular consequence: intron variant.
Genome position (GRCh38, 1-based): chr7:97,021,075, G>A on the plus strand (C>T on the coding strand, the complement: DLX5 is on the minus strand). VCF-style: chr7-97021075-G-A. GRCh37 (hg19) VCF-style: chr7-96650387-G-A.
Identifiers: ClinVar variation 713599 (VCV000713599.13), dbSNP rs199945918, ClinGen allele CA4353968.